The following is an entry in ClinVar:

ClinVar aggregate classification (germline): Uncertain significance (1 of 4 stars; one submission).

gnomAD v4.1: 1 of 1,609,140 alleles (0.000062%); no homozygotes.

Submission:

Labcorp Genetics (formerly Invitae), Labcorp
Classification: Uncertain significance. Last evaluated: 2024-03-12. Review status: criteria provided, single submitter. Criteria: Invitae Variant Classification Sherloc (09022015). Collection method: clinical testing. Allele origin: germline.
Comment: This sequence change replaces methionine, which is neutral and non-polar, with threonine, which is neutral and polar, at codon 943 of the SRCAP protein (p.Met943Thr). This variant is not present in population databases (gnomAD no frequency). This variant has not been reported in the literature in individuals affected with SRCAP-related conditions. Advanced modeling of protein sequence and biophysical properties (such as structural, functional, and spatial information, amino acid conservation, physicochemical variation, residue mobility, and thermodynamic stability) performed at Invitae indicates that this missense variant is not expected to disrupt SRCAP protein function with a negative predictive value of 80%. In summary, the available evidence is currently insufficient to determine the role of this variant in disease. Therefore, it has been classified as a Variant of Uncertain Significance.

NM_006662.3(SRCAP):c.2828T>C (p.Met943Thr)

Gene: SRCAP (Snf2 related CREBBP activator protein; plus strand). Cytogenetic location: 16p11.2.
Variant type: single nucleotide variant.
Coding change: c.2828T>C on transcript NM_006662.3 (MANE Select); coding-DNA position 2828, T replaced by C.
Protein change: p.Met943Thr; replaces methionine 943 with threonine.
Molecular consequence: missense variant.
Genome position (GRCh38, 1-based): chr16:30,720,172, T>C. VCF-style: chr16-30720172-T-C. GRCh37 (hg19) VCF-style: chr16-30731493-T-C.
Other names: short protein forms M943T.
Identifiers: ClinVar variation 2822102 (VCV002822102.3), dbSNP rs2506660615, ClinGen allele CA395611983.